The following is an entry in ClinVar:

NM_004082.5(DCTN1):c.336T>G (p.Ser112=)

Gene: DCTN1 (dynactin subunit 1; minus strand). Cytogenetic location: 2p13.1.
Variant type: single nucleotide variant.
Coding change: c.336T>G on transcript NM_004082.5 (MANE Select); coding-DNA position 336, T replaced by G.
Protein change: p.Ser112=; no amino-acid change (serine 112 retained).
Molecular consequence: synonymous variant. On other transcripts: non-coding transcript variant (1).
Genome position (GRCh38, 1-based): chr2:74,377,670, A>C on the plus strand (T>G on the coding strand, the complement: DCTN1 is on the minus strand). VCF-style: chr2-74377670-A-C. GRCh37 (hg19) VCF-style: chr2-74604797-A-C.
Other names: c.336T>G (NM_004082.4); c.336T>G, p.Ser112= (NM_001135040.3, NM_001190837.2); c.285T>G, p.Ser95= (NM_001190836.2, NM_001378991.1, NM_001378992.1).
Identifiers: ClinVar variation 1160807 (VCV001160807.10), dbSNP rs371005095, ClinGen allele CA1722549.

ClinVar aggregate classification (germline): Likely benign. Review status: criteria provided, multiple submitters, no conflicts (2 of 4 stars). 2 submissions from 2 submitters: Likely benign (2). Last evaluated 2026-01-25.

Conditions:
DCTN1-related disorder. Also called: DCTN1-related condition.
Perry syndrome. Also called: PARKINSONISM WITH ALVEOLAR HYPOVENTILATION AND MENTAL DEPRESSION. Identifiers: Orphanet 178509, MedGen C1868594, MONDO:0008201, OMIM 168605.
Neuronopathy, distal hereditary motor, type 7B. Also called: HMN VIIB; LOWER MOTOR NEURON DISEASE, DYNACTIN TYPE; NEURONOPATHY, DISTAL HEREDITARY MOTOR, AUTOSOMAL DOMINANT 14; NEURONOPATHY, DISTAL HEREDITARY MOTOR, HARDING TYPE VIIB; NEUROPATHY, DISTAL HEREDITARY MOTOR, HARDING TYPE VIIB; NEUROPATHY, DISTAL HEREDITARY MOTOR, WITH VOCAL CORD PARALYSIS, HARDING TYPE VIIB. Identifiers: Orphanet 139589, MedGen C1843315, MONDO:0011879, OMIM 607641.
Amyotrophic lateral sclerosis type 1 (ALS1). Also called: AMYOTROPHIC LATERAL SCLEROSIS 1, FAMILIAL. Identifiers: Orphanet 803, MedGen C1862939, MONDO:0007103, OMIM 105400.

Allele frequency attached by ClinVar (database versions not stated): gnomAD 0.00005 and 0.00006; TOPMed 0.00006; ESP Exome Variant Server 0.00015.

Submissions (2):

Labcorp Genetics (formerly Invitae), Labcorp
Classification: Likely benign for Amyotrophic lateral sclerosis type 1; Neuronopathy, distal hereditary motor, type 7B; Perry syndrome. Last evaluated: 2026-01-25. Review status: criteria provided, single submitter. Criteria: Invitae Variant Classification Sherloc (09022015). Collection method: clinical testing. Allele origin: germline.

PreventionGenetics, part of Exact Sciences
Classification: Likely benign for DCTN1-related condition. Last evaluated: 2025-10-09. Review status: criteria provided, single submitter. Criteria: ACMG Guidelines, 2015. Collection method: clinical testing. Allele origin: germline.
Comment: This variant is classified as likely benign based on ACMG/AMP sequence variant interpretation guidelines (Richards et al. 2015 PMID: 25741868, with internal and published modifications).